The following is an entry in ClinVar:

NM_005901.6(SMAD2):c.684A>C (p.Glu228Asp)

Gene: SMAD2 (SMAD family member 2; minus strand). Cytogenetic location: 18q21.1.
Variant type: single nucleotide variant.
Coding change: c.684A>C on transcript NM_005901.6 (MANE Select); coding-DNA position 684, A replaced by C.
Protein change: p.Glu228Asp; replaces glutamic acid 228 with aspartic acid.
Molecular consequence: missense variant.
Genome position (GRCh38, 1-based): chr18:47,865,105, T>G on the plus strand (A>C on the coding strand, the complement: SMAD2 is on the minus strand). VCF-style: chr18-47865105-T-G. GRCh37 (hg19) VCF-style: chr18-45391476-T-G.
Other names: c.684A>C, p.Glu228Asp (NM_001003652.4); c.594A>C, p.Glu198Asp (NM_001135937.3); short protein forms E198D, E228D.
Identifiers: ClinVar variation 4743196 (VCV004743196.1).
Genomic context (GRCh38, chr18:47,865,105, plus strand): 5'-GACATTTTTTTTACCTGTGTCCATACTTTGATTCAACTGTTGGTCACTTGTTTCTCCATC[T>G]TCACTGATATATCCAGGAGGTGGCGTTTCTACAAAAGTTTAAAACAAATCAAGCACAGCT-3'
Protein context (NP_005892.1, residues 218-238): PETPPPGYIS[Glu228Asp]DGETSDQQLN

ClinVar aggregate classification (germline): Uncertain significance (1 of 4 stars; one submission).

Submission:

Labcorp Genetics (formerly Invitae), Labcorp
Classification: Uncertain significance. Last evaluated: 2025-04-30. Review status: criteria provided, single submitter. Criteria: Invitae Variant Classification Sherloc (09022015). Collection method: clinical testing. Allele origin: germline.
Comment: This sequence change replaces glutamic acid, which is acidic and polar, with aspartic acid, which is acidic and polar, at codon 228 of the SMAD2 protein (p.Glu228Asp). This variant is not present in population databases (gnomAD no frequency). This variant has not been reported in the literature in individuals affected with SMAD2-related conditions. Invitae Evidence Modeling of protein sequence and biophysical properties (such as structural, functional, and spatial information, amino acid conservation, physicochemical variation, residue mobility, and thermodynamic stability) indicates that this missense variant is not expected to disrupt SMAD2 protein function with a negative predictive value of 80%. In summary, the available evidence is currently insufficient to determine the role of this variant in disease. Therefore, it has been classified as a Variant of Uncertain Significance.